The following is an entry in ClinVar:

NM_004055.5(CAPN5):c.1322G>T (p.Ser441Ile)

Gene: CAPN5 (calpain 5; plus strand). Cytogenetic location: 11q13.5.
Variant type: single nucleotide variant.
Coding change: c.1322G>T on transcript NM_004055.5 (MANE Select); coding-DNA position 1322, G replaced by T.
Protein change: p.Ser441Ile; replaces serine 441 with isoleucine.
Molecular consequence: missense variant.
Genome position (GRCh38, 1-based): chr11:77,120,744, G>T. VCF-style: chr11-77120744-G-T. GRCh37 (hg19) VCF-style: chr11-76831790-G-T.
Other names: short protein forms S441I.
Identifiers: ClinVar variation 1039901 (VCV001039901.8), dbSNP rs782010591, ClinGen allele CA6196778.

ClinVar aggregate classification (germline): Uncertain significance (1 of 4 stars; one submission).

Allele frequency attached by ClinVar (database versions not stated): TOPMed below 0.00001; ExAC 0.00001; gnomAD exomes 0.00001.
gnomAD v4.1: 9 of 1,613,178 alleles (0.00056%); highest among the groups gnomAD compares: Non-Finnish European, 0.00068%; no homozygotes.

Submission:

Labcorp Genetics (formerly Invitae), Labcorp
Classification: Uncertain significance. Last evaluated: 2023-08-04. Review status: criteria provided, single submitter. Criteria: Invitae Variant Classification Sherloc (09022015). Collection method: clinical testing. Allele origin: germline.
Comment: In summary, the available evidence is currently insufficient to determine the role of this variant in disease. Therefore, it has been classified as a Variant of Uncertain Significance. Advanced modeling of protein sequence and biophysical properties (such as structural, functional, and spatial information, amino acid conservation, physicochemical variation, residue mobility, and thermodynamic stability) performed at Invitae indicates that this missense variant is not expected to disrupt CAPN5 protein function. ClinVar contains an entry for this variant (Variation ID: 1039901). This variant has not been reported in the literature in individuals affected with CAPN5-related conditions. This variant is present in population databases (rs782010591, gnomAD 0.002%). This sequence change replaces serine, which is neutral and polar, with isoleucine, which is neutral and non-polar, at codon 441 of the CAPN5 protein (p.Ser441Ile).